The following is an entry in ClinVar:

ClinVar aggregate classification (germline): Uncertain significance (1 of 4 stars; one submission).

Conditions:
Early-infantile DEE. Also called: Early infantile epileptic encephalopathy; Ohtahara syndrome; Early infantile epileptic encephalopathy with suppression bursts. Identifiers: Orphanet 1934, MedGen C0393706, MONDO:0800491.

Submission:

Labcorp Genetics (formerly Invitae), Labcorp
Classification: Uncertain significance for Early-infantile DEE. Last evaluated: 2022-07-04. Review status: criteria provided, single submitter. Criteria: Invitae Variant Classification Sherloc (09022015). Collection method: clinical testing. Allele origin: germline.
Comment: In summary, the available evidence is currently insufficient to determine the role of this variant in disease. Therefore, it has been classified as a Variant of Uncertain Significance. Algorithms developed to predict the effect of missense changes on protein structure and function (SIFT, PolyPhen-2, Align-GVGD) all suggest that this variant is likely to be disruptive. This variant has not been reported in the literature in individuals affected with SCN1A-related conditions. This variant is not present in population databases (gnomAD no frequency). This sequence change replaces leucine, which is neutral and non-polar, with serine, which is neutral and polar, at codon 1931 of the SCN1A protein (p.Leu1931Ser).

NM_001165963.4(SCN1A):c.5792T>C (p.Leu1931Ser)

Genes: SCN1A (sodium voltage-gated channel alpha subunit 1; minus strand), LOC102724058 (uncharacterized LOC102724058; plus strand). Cytogenetic location: 2q24.3.
Variant type: single nucleotide variant.
Coding change: c.5792T>C on transcript NM_001165963.4 (MANE Select); coding-DNA position 5792, T replaced by C.
Protein change: p.Leu1931Ser; replaces leucine 1931 with serine.
Molecular consequence: missense variant. On other transcripts: non-coding transcript variant (1).
Genome position (GRCh38, 1-based): chr2:165,991,483, A>G on the plus strand (T>C on the coding strand, the complement: SCN1A is on the minus strand). VCF-style: chr2-165991483-A-G. GRCh37 (hg19) VCF-style: chr2-166847993-A-G.
Other names: c.5708T>C, p.Leu1903Ser (NM_001165964.3, NM_001353957.2, NM_001353958.2); c.5792T>C, p.Leu1931Ser (NM_001202435.3, NM_001353948.2); c.5759T>C, p.Leu1920Ser (NM_001353949.2, NM_001353950.2, NM_001353951.2 and 2 more transcripts); c.5756T>C, p.Leu1919Ser (NM_001353954.2, NM_001353955.2); c.5705T>C, p.Leu1902Ser (NM_001353960.2); c.3350T>C, p.Leu1117Ser (NM_001353961.2); short protein forms L1931S, L1117S, L1920S, L1902S, L1903S, L1919S.
Identifiers: ClinVar variation 2014067 (VCV002014067.4), dbSNP rs2468326145, ClinGen allele CA349063832.
Genomic context (GRCh38, chr2:165,991,483, plus strand): 5'-GCCCCACCTTTGATTTTGTTTTTATTGTACGTAAAGGAAGCTTGTTTTACAGTTCGCTTT[A>G]AAAGGTGGCGTCTGTAAGCACGCTGAATAATGACAGCAGATACTTCCTCTTGTTTTCGTT-3'
Protein context (NP_001159435.1, residues 1921-1941): IIQRAYRRHL[Leu1931Ser]KRTVKQASFT